The following is an entry in ClinVar:

ClinVar aggregate classification (germline): Uncertain significance. Review status: criteria provided, single submitter (1 of 4 stars). 2 submissions from 2 submitters: Uncertain significance (1). 1 of the submissions does not count toward it. Last evaluated 2024-11-12.

Conditions:
HOXC13-related disorder. Also called: HOXC13-related condition.

Allele frequency attached by ClinVar (database versions not stated): gnomAD exomes 0.00007; TOPMed 0.00010; gnomAD 0.00012; 1000 Genomes Project 30x 0.00016.
gnomAD v4.1: 114 of 1,521,474 alleles (0.0075%); highest among the groups gnomAD compares: Admixed American, 0.021%; no homozygotes.

Submissions (2):

Ambry Genetics
Classification: Uncertain significance. Last evaluated: 2024-11-12. Review status: criteria provided, single submitter. Criteria: Ambry Variant Classification Scheme 2023. Collection method: clinical testing. Allele origin: germline.

PreventionGenetics, part of Exact Sciences
Classification: Uncertain significance for HOXC13-related condition. Last evaluated: 2024-01-11. Review status: no assertion criteria provided. Collection method: clinical testing. Allele origin: germline. Not counted in ClinVar's aggregate classification.
Comment: The HOXC13 c.280A>G variant is predicted to result in the amino acid substitution p.Thr94Ala. To our knowledge, this variant has not been reported in the literature. This variant is reported in 0.0090% of alleles in individuals of European (Non-Finnish) descent in gnomAD. At this time, the clinical significance of this variant is uncertain due to the absence of conclusive functional and genetic evidence.

NM_017410.3(HOXC13):c.280A>G (p.Thr94Ala)

Genes: HOXC13 (homeobox C13; plus strand), HOXC13-AS (HOXC13 antisense RNA; minus strand). Cytogenetic location: 12q13.13.
Variant type: single nucleotide variant.
Coding change: c.280A>G on transcript NM_017410.3 (MANE Select); coding-DNA position 280, A replaced by G.
Protein change: p.Thr94Ala; replaces threonine 94 with alanine.
Molecular consequence: missense variant.
Genome position (GRCh38, 1-based): chr12:53,939,186, A>G. VCF-style: chr12-53939186-A-G. GRCh37 (hg19) VCF-style: chr12-54332970-A-G.
Other names: short protein forms T94A.
Identifiers: ClinVar variation 3051226 (VCV003051226.3), dbSNP rs767074923, ClinGen allele CA6603778.